The following is an entry in ClinVar:

ClinVar aggregate classification (germline): Uncertain significance. Review status: criteria provided, multiple submitters, no conflicts (2 of 4 stars). 3 submissions from 3 submitters: Uncertain significance (3). Last evaluated 2025-11-05.

Conditions:
Autosomal recessive nonsyndromic hearing loss 97. Also called: Deafness, autosomal recessive 97. Identifiers: Orphanet 90636, MedGen C4084709, MONDO:0014739, OMIM 616705.
Renal cell carcinoma. Identifiers: Orphanet 217071, MedGen C0007134, MeSH D002292, MONDO:0005086, HP:0005584.
Hereditary cancer-predisposing syndrome. Also called: Tumor predisposition; Hereditary Cancer Syndrome; Hereditary neoplastic syndrome; Neoplastic Syndromes, Hereditary. Identifiers: Orphanet 140162, MedGen C0027672, MeSH D009386, MONDO:0015356.

Allele frequency attached by ClinVar (database versions not stated): gnomAD exomes below 0.00001 and 0.00001; TOPMed 0.00001; ESP Exome Variant Server 0.00008.
gnomAD v4.1: 2 of 1,614,126 alleles (0.00012%); highest among the groups gnomAD compares: Admixed American, 0.0033%; no homozygotes.

Submissions (3):

Labcorp Genetics (formerly Invitae), Labcorp
Classification: Uncertain significance for Renal cell carcinoma. Last evaluated: 2025-11-05. Review status: criteria provided, single submitter. Criteria: Invitae Variant Classification Sherloc (09022015). Collection method: clinical testing. Allele origin: germline.
Comment: This sequence change replaces asparagine, which is neutral and polar, with aspartic acid, which is acidic and polar, at codon 620 of the MET protein (p.Asn620Asp). This variant is present in population databases (rs372116735, gnomAD 0.006%). This variant has not been reported in the literature in individuals affected with MET-related conditions. ClinVar contains an entry for this variant (Variation ID: 411920). Invitae Evidence Modeling of protein sequence and biophysical properties (such as structural, functional, and spatial information, amino acid conservation, physicochemical variation, residue mobility, and thermodynamic stability) indicates that this missense variant is not expected to disrupt MET protein function with a negative predictive value of 80%. In summary, the available evidence is currently insufficient to determine the role of this variant in disease. Therefore, it has been classified as a Variant of Uncertain Significance.

Ambry Genetics
Classification: Uncertain significance for Hereditary cancer-predisposing syndrome. Last evaluated: 2025-07-01. Review status: criteria provided, single submitter. Criteria: Ambry Variant Classification Scheme 2023. Collection method: clinical testing. Allele origin: germline.
Comment: The p.N620D variant (also known as c.1858A>G), located in coding exon 5 of the MET gene, results from an A to G substitution at nucleotide position 1858. The asparagine at codon 620 is replaced by aspartic acid, an amino acid with highly similar properties. This amino acid position is highly conserved in available vertebrate species. In addition, the in silico prediction for this alteration is inconclusive. Since supporting evidence is limited at this time, the clinical significance of this alteration remains unclear.

Baylor Genetics
Classification: Uncertain significance for Autosomal recessive nonsyndromic hearing loss 97. Last evaluated: 2024-01-10. Review status: criteria provided, single submitter. Criteria: ACMG Guidelines, 2015. Collection method: clinical testing. Allele origin: unknown.

NM_000245.4(MET):c.1858A>G (p.Asn620Asp)

Gene: MET (MET proto-oncogene, receptor tyrosine kinase; plus strand). Cytogenetic location: 7q31.2.
Variant type: single nucleotide variant.
Coding change: c.1858A>G on transcript NM_000245.4 (MANE Select); coding-DNA position 1858, A replaced by G.
Protein change: p.Asn620Asp; replaces asparagine 620 with aspartic acid.
Molecular consequence: missense variant.
Genome position (GRCh38, 1-based): chr7:116,755,511, A>G. VCF-style: chr7-116755511-A-G. GRCh37 (hg19) VCF-style: chr7-116395565-A-G.
Other names: c.1858A>G, p.Asn620Asp (NM_001127500.3, NM_001324401.3); c.568A>G, p.Asn190Asp (NM_001324402.2); short protein forms N620D, N190D.
Identifiers: ClinVar variation 411920 (VCV000411920.15), dbSNP rs372116735, ClinGen allele CA16612074.